The following is an entry in ClinVar:

ClinVar aggregate classification (germline): Uncertain significance (1 of 4 stars; one submission).

gnomAD v4.1: 1 of 1,614,170 alleles (0.000062%); highest among the groups gnomAD compares: South Asian, 0.0011%; no homozygotes.

Submission:

Labcorp Genetics (formerly Invitae), Labcorp
Classification: Uncertain significance. Last evaluated: 2022-02-24. Review status: criteria provided, single submitter. Criteria: Invitae Variant Classification Sherloc (09022015). Collection method: clinical testing. Allele origin: germline.
Comment: In summary, the available evidence is currently insufficient to determine the role of this variant in disease. Therefore, it has been classified as a Variant of Uncertain Significance. Algorithms developed to predict the effect of missense changes on protein structure and function are either unavailable or do not agree on the potential impact of this missense change (SIFT: "Deleterious"; PolyPhen-2: "Benign"; Align-GVGD: "Class C0"). This variant has not been reported in the literature in individuals affected with TECTA-related conditions. This variant is present in population databases (no rsID available, gnomAD 0.003%). This sequence change replaces glutamic acid, which is acidic and polar, with glutamine, which is neutral and polar, at codon 303 of the TECTA protein (p.Glu303Gln).

NM_005422.4(TECTA):c.907G>C (p.Glu303Gln)

Genes: TBCEL-TECTA (TBCEL-TECTA readthrough; plus strand), TECTA (tectorin alpha; plus strand). Cytogenetic location: 11q23.3.
Variant type: single nucleotide variant.
Coding change: c.907G>C on transcript NM_005422.4 (MANE Select); coding-DNA position 907, G replaced by C.
Protein change: p.Glu303Gln; replaces glutamic acid 303 with glutamine.
Molecular consequence: missense variant.
Genome position (GRCh38, 1-based): chr11:121,118,422, G>C. VCF-style: chr11-121118422-G-C. GRCh37 (hg19) VCF-style: chr11-120989131-G-C.
Other names: c.1864G>C, p.Glu622Gln (NM_001378761.1); short protein forms E622Q, E303Q.
Identifiers: ClinVar variation 1492096 (VCV001492096.6), dbSNP rs774583320, ClinGen allele CA383007770.